The following is an entry in ClinVar:

ClinVar aggregate classification (germline): Likely benign (0 of 4 stars; one submission).

Conditions:
XIRP2-related disorder. Also called: XIRP2-related condition.

Allele frequency attached by ClinVar (database versions not stated): gnomAD 0.00005; ESP Exome Variant Server 0.00008; TOPMed 0.00013; gnomAD exomes 0.00023; ExAC 0.00041.
gnomAD v4.1: 145 of 1,613,664 alleles (0.009%); highest among the groups gnomAD compares: Admixed American, 0.23%; 1 homozygote.

Submission:

PreventionGenetics, part of Exact Sciences
Classification: Likely benign for XIRP2-related condition. Last evaluated: 2019-07-16. Review status: no assertion criteria provided. Collection method: clinical testing. Allele origin: germline.
Comment: This variant is classified as likely benign based on ACMG/AMP sequence variant interpretation guidelines (Richards et al. 2015 PMID: 25741868, with internal and published modifications).

NM_152381.6(XIRP2):c.5291A>C (p.Glu1764Ala)

Gene: XIRP2 (xin actin binding repeat containing 2; plus strand). Cytogenetic location: 2q24.3.
Variant type: single nucleotide variant.
Coding change: c.5291A>C on transcript NM_152381.6 (MANE Select); coding-DNA position 5291, A replaced by C.
Protein change: p.Glu1764Ala; replaces glutamic acid 1764 with alanine.
Molecular consequence: missense variant. On other transcripts: intron variant (3).
Genome position (GRCh38, 1-based): chr2:167,246,683, A>C. VCF-style: chr2-167246683-A-C. GRCh37 (hg19) VCF-style: chr2-168103193-A-C.
Other names: c.4625A>C, p.Glu1542Ala (NM_001199144.2); c.1275+4773A>C (NM_001199143.2); c.1176+4773A>C (NM_001079810.4); c.510+4773A>C (NM_001199145.2); short protein forms E1542A, E1764A.
Identifiers: ClinVar variation 3033651 (VCV003033651.2), dbSNP rs374891512, ClinGen allele CA1947188.